The following is an entry in ClinVar:

ClinVar aggregate classification (germline): Uncertain significance (1 of 4 stars; one submission).

Conditions:
Dyskeratosis congenita. Identifiers: Orphanet 1775, MedGen C0265965, MONDO:0015780.

Submission:

Labcorp Genetics (formerly Invitae), Labcorp
Classification: Uncertain significance for Dyskeratosis congenita. Last evaluated: 2018-11-27. Review status: criteria provided, single submitter. Criteria: Invitae Variant Classification Sherloc (09022015). Collection method: clinical testing. Allele origin: germline.
Comment: This sequence change creates a premature translational stop signal (p.Glu66Glyfs*23) in the NHP2 gene. It is expected to result in an absent or disrupted protein product. This variant is not present in population databases (ExAC no frequency). In summary, the available evidence is currently insufficient to determine the role of this variant in disease. Therefore, it has been classified as a Variant of Uncertain Significance. The current clinical and genetic evidence is not sufficient to establish whether loss-of-function variants in NHP2 cause disease. This variant has not been reported in the literature in individuals with NHP2-related conditions. ClinVar contains an entry for this variant (Variation ID: 529179).

NM_017838.4(NHP2):c.197_198del (p.Glu66fs)

Gene: NHP2 (NHP2 ribonucleoprotein; minus strand). Cytogenetic location: 5q35.3.
Variant type: Microsatellite.
Coding change: c.197_198del on transcript NM_017838.4 (MANE Select); coding-DNA positions 197 to 198, 2 bases deleted (AG; older notation c.197_198delAG).
Protein change: p.Glu66fs; shifts the reading frame from glutamic acid 66.
Molecular consequence: frameshift variant.
Genome position (GRCh38, 1-based): chr5:178,153,523-178,153,524, CT deleted on the plus strand (AG on the coding strand, the reverse complement: NHP2 is on the minus strand); deleting any 2 consecutive bases within chr5:178,153,523-178,153,526 gives the same sequence; the c. name uses the placement nearest the transcript's 3' end. VCF-style (leftmost placement, unchanged base first): chr5-178153522-CCT-C. GRCh37 (hg19) VCF-style: chr5-177580523-CCT-C.
Other names: c.197_198delAG (NM_017838.3); c.197_198del, p.Glu66fs (NM_001034833.2); short protein forms E66fs.
Identifiers: ClinVar variation 529179 (VCV000529179.7), dbSNP rs1333837047, ClinGen allele CA658796695.